The following is an entry in ClinVar:

NM_000260.4(MYO7A):c.3522G>T (p.Gln1174His)

Gene: MYO7A (myosin VIIA; plus strand). Cytogenetic location: 11q13.5.
Variant type: single nucleotide variant.
Coding change: c.3522G>T on transcript NM_000260.4 (MANE Select); coding-DNA position 3522, G replaced by T.
Protein change: p.Gln1174His; replaces glutamine 1174 with histidine.
Molecular consequence: missense variant.
Genome position (GRCh38, 1-based): chr11:77,189,362, G>T. VCF-style: chr11-77189362-G-T. GRCh37 (hg19) VCF-style: chr11-76900407-G-T.
Other names: c.3522G>T, p.Gln1174His (NM_001127180.2); c.3489G>T, p.Gln1163His (NM_001369365.1); short protein forms Q1163H, Q1174H.
Identifiers: ClinVar variation 2877913 (VCV002877913.3), dbSNP rs781810739, ClinGen allele CA381946861.

ClinVar aggregate classification (germline): Uncertain significance (1 of 4 stars; one submission).

Submission:

Labcorp Genetics (formerly Invitae), Labcorp
Classification: Uncertain significance. Last evaluated: 2023-07-03. Review status: criteria provided, single submitter. Criteria: Invitae Variant Classification Sherloc (09022015). Collection method: clinical testing. Allele origin: germline.
Comment: Advanced modeling of protein sequence and biophysical properties (such as structural, functional, and spatial information, amino acid conservation, physicochemical variation, residue mobility, and thermodynamic stability) performed at Invitae indicates that this missense variant is expected to disrupt MYO7A protein function. This sequence change replaces glutamine, which is neutral and polar, with histidine, which is basic and polar, at codon 1174 of the MYO7A protein (p.Gln1174His). This variant is not present in population databases (gnomAD no frequency). This variant has not been reported in the literature in individuals affected with MYO7A-related conditions. In summary, the available evidence is currently insufficient to determine the role of this variant in disease. Therefore, it has been classified as a Variant of Uncertain Significance.